The following is an entry in ClinVar:

NM_001386393.1(PANK2):c.21_22delinsTT (p.Gln8Ter)

Genes: PANK2 (pantothenate kinase 2; plus strand), LOC130065345 (ATAC-STARR-seq lymphoblastoid silent region 12635; plus strand). Cytogenetic location: 20p13.
Variant type: Indel.
Coding change: c.21_22delinsTT on transcript NM_001386393.1 (MANE Select); coding-DNA positions 21 to 22, GC replaced by TT.
Protein change: p.Gln8Ter; replaces glutamine 8 with a stop codon.
Molecular consequence: nonsense. On other transcripts: 5 prime UTR variant (1), non-coding transcript variant (1), intron variant (1).
Genome position (GRCh38, 1-based): chr20:3,889,451-3,889,452, GC replaced by TT. VCF-style: chr20-3889451-GC-TT. GRCh37 (hg19) VCF-style: chr20-3870098-GC-TT.
Other names: c.-691_-690delinsTT (NM_001324191.2); c.351_352delinsTT, p.Gln118Ter (NM_001324192.1, NM_153638.4); c.-246+547_-246+548delinsTT (NM_024960.6); short protein forms Q118*, Q8*.
Identifiers: ClinVar variation 1481636 (VCV001481636.5), dbSNP rs2146804492, ClinGen allele CA2573156936.
Genomic context (GRCh38, chr20:3,889,451, plus strand): 5'-TGGCTGGACTGCCGCGGAGGAGGCGAGAAGGAATCCGACGCTGGGGGGCTTGCTCGGGCG[GC>TT]AGCGACTGCTGCTGCGGATGGGAGGGGGCCGGCTCGGCGCGCCCATGGAGCGCCACGGCA-3'

ClinVar aggregate classification (germline): Uncertain significance (1 of 4 stars; one submission).

Conditions:
Pigmentary pallidal degeneration (NBIA1). Also called: Pantothenate Kinase-Associated Neurodegeneration; Neuroaxonal dystrophy, late infantile; Hallervorden-Spatz disease; PKAN NEUROAXONAL DYSTROPHY, JUVENILE-ONSET; HARP SYNDROME; Neurodegeneration with brain iron accumulation 1. Identifiers: Orphanet 157850, MedGen C0018523, MONDO:0009319, OMIM 234200.

Submission:

Labcorp Genetics (formerly Invitae), Labcorp
Classification: Uncertain significance for Pigmentary pallidal degeneration. Last evaluated: 2021-07-14. Review status: criteria provided, single submitter. Criteria: Invitae Variant Classification Sherloc (09022015). Collection method: clinical testing. Allele origin: germline.
Comment: This sequence change creates a premature translational stop signal (p.Gln118*) in the PANK2 gene. However, it is currently unclear if variants that occur in this region of the gene cause disease. The frequency data for this variant in the population databases is considered unreliable, as metrics indicate insufficient coverage at this position in the ExAC database. This variant has not been reported in the literature in individuals affected with PANK2-related conditions. In summary, the available evidence is currently insufficient to determine the role of this variant in disease. Therefore, it has been classified as a Variant of Uncertain Significance.